The following is an entry in ClinVar:

NM_001013838.3(CARMIL2):c.3851C>G (p.Pro1284Arg)

Gene: CARMIL2 (capping protein regulator and myosin 1 linker 2; plus strand). Cytogenetic location: 16q22.1.
Variant type: single nucleotide variant.
Coding change: c.3851C>G on transcript NM_001013838.3 (MANE Select); coding-DNA position 3851, C replaced by G.
Protein change: p.Pro1284Arg; replaces proline 1284 with arginine.
Molecular consequence: missense variant.
Genome position (GRCh38, 1-based): chr16:67,656,460, C>G. VCF-style: chr16-67656460-C-G. GRCh37 (hg19) VCF-style: chr16-67690363-C-G.
Other names: c.3743C>G, p.Pro1248Arg (NM_001317026.3); short protein forms P1248R, P1284R.
Identifiers: ClinVar variation 1384093 (VCV001384093.6), dbSNP rs2052858537, ClinGen allele CA396347906.

ClinVar aggregate classification (germline): Uncertain significance (1 of 4 stars; one submission).

Submission:

Labcorp Genetics (formerly Invitae), Labcorp
Classification: Uncertain significance. Last evaluated: 2022-06-15. Review status: criteria provided, single submitter. Criteria: Invitae Variant Classification Sherloc (09022015). Collection method: clinical testing. Allele origin: germline.
Comment: Algorithms developed to predict the effect of missense changes on protein structure and function are either unavailable or do not agree on the potential impact of this missense change (SIFT: "Tolerated"; PolyPhen-2: "Possibly Damaging"; Align-GVGD: "Class C0"). This variant has not been reported in the literature in individuals affected with CARMIL2-related conditions. This variant is not present in population databases (gnomAD no frequency). This sequence change replaces proline, which is neutral and non-polar, with arginine, which is basic and polar, at codon 1284 of the CARMIL2 protein (p.Pro1284Arg). Algorithms developed to predict the effect of sequence changes on RNA splicing suggest that this variant may create or strengthen a splice site. In summary, the available evidence is currently insufficient to determine the role of this variant in disease. Therefore, it has been classified as a Variant of Uncertain Significance.